The following is an entry in ClinVar:

NM_001429.4(EP300):c.4785del (p.Phe1596fs)

Gene: EP300 (EP300 lysine acetyltransferase; plus strand). Cytogenetic location: 22q13.2.
Variant type: Deletion.
Coding change: c.4785del on transcript NM_001429.4 (MANE Select); coding-DNA position 4785, one base deleted (C; older notation c.4785delC).
Protein change: p.Phe1596fs; shifts the reading frame from phenylalanine 1596.
Molecular consequence: frameshift variant.
Genome position (GRCh38, 1-based): chr22:41,176,252, C deleted. VCF-style (leftmost placement, unchanged base first): chr22-41176251-TC-T. GRCh37 (hg19) VCF-style: chr22-41572255-TC-T.
Other names: c.4707del, p.Phe1570fs (NM_001362843.2); short protein forms F1570fs, F1596fs.
Identifiers: ClinVar variation 1426847 (VCV001426847.6), dbSNP rs2145512052, ClinGen allele CA2573158206.

ClinVar aggregate classification (germline): Pathogenic (1 of 4 stars; one submission).

Conditions:
Rubinstein-Taybi syndrome due to EP300 haploinsufficiency. Also called: EP300-Related Rubinstein-Taybi Syndrome; RUBINSTEIN-TAYBI SYNDROME 2. Identifiers: Orphanet 353284, Orphanet 783, MedGen C3150941, MONDO:0013364, OMIM 613684.

Submission:

Labcorp Genetics (formerly Invitae), Labcorp
Classification: Pathogenic for Rubinstein-Taybi syndrome due to EP300 haploinsufficiency. Last evaluated: 2021-08-19. Review status: criteria provided, single submitter. Criteria: Invitae Variant Classification Sherloc (09022015). Collection method: clinical testing. Allele origin: germline.
Comment: This sequence change creates a premature translational stop signal (p.Phe1596Leufs*2) in the EP300 gene. It is expected to result in an absent or disrupted protein product. Loss-of-function variants in EP300 are known to be pathogenic (PMID: 15706485, 24476420). This variant is not present in population databases (ExAC no frequency). This variant has not been reported in the literature in individuals affected with EP300-related conditions. For these reasons, this variant has been classified as Pathogenic.

Literature cited by the submitters: PubMed 15706485; PubMed 24476420.